The following is an entry in ClinVar:

NM_003183.6(ADAM17):c.1985A>G (p.Asn662Ser)

Genes: ADAM17 (ADAM metallopeptidase domain 17; minus strand), IAH1 (isoamyl acetate hydrolyzing esterase 1 (putative); plus strand). Cytogenetic location: 2p25.1.
Variant type: single nucleotide variant.
Coding change: c.1985A>G on transcript NM_003183.6 (MANE Select); coding-DNA position 1985, A replaced by G.
Protein change: p.Asn662Ser; replaces asparagine 662 with serine.
Molecular consequence: missense variant.
Genome position (GRCh38, 1-based): chr2:9,493,755, T>C on the plus strand (A>G on the coding strand, the complement: ADAM17 is on the minus strand). VCF-style: chr2-9493755-T-C. GRCh37 (hg19) VCF-style: chr2-9633884-T-C.
Other names: short protein forms N662S.
Identifiers: ClinVar variation 858793 (VCV000858793.7), dbSNP rs140933944, ClinGen allele CA1523364.
Genomic context (GRCh38, chr2:9,493,755, plus strand): 5'-CATCACAGAAATTGACTCAGCTCTCAGTAAGTAATCTGGGGAAATCACCTACCAAAAGTA[T>C]TGATGCTCAGCTGGTCAATGAAATCCCAAAATCGTTCAATTACATCCTGTACTCGTTTCT-3'
Protein context (NP_003174.3, residues 652-672): FWDFIDQLSI[Asn662Ser]TFGKFLADNI

ClinVar aggregate classification (germline): Uncertain significance (1 of 4 stars; one submission).

Conditions:
Inflammatory skin and bowel disease, neonatal, 1. Identifiers: Orphanet 294023, MedGen C3280501, MONDO:0013693, OMIM 614328.

Allele frequency attached by ClinVar (database versions not stated): gnomAD 0.00005; gnomAD exomes 0.00005 and 0.00007; TOPMed 0.00005; ESP Exome Variant Server 0.00008; ExAC 0.00009.
gnomAD v4.1: 76 of 1,613,550 alleles (0.0047%); highest among the groups gnomAD compares: Admixed American, 0.013%; no homozygotes.

Submission:

Labcorp Genetics (formerly Invitae), Labcorp
Classification: Uncertain significance for Inflammatory skin and bowel disease, neonatal, 1. Last evaluated: 2022-09-20. Review status: criteria provided, single submitter. Criteria: Invitae Variant Classification Sherloc (09022015). Collection method: clinical testing. Allele origin: germline.
Comment: This sequence change replaces asparagine, which is neutral and polar, with serine, which is neutral and polar, at codon 662 of the ADAM17 protein (p.Asn662Ser). This variant is present in population databases (rs140933944, gnomAD 0.02%). This variant has not been reported in the literature in individuals affected with ADAM17-related conditions. ClinVar contains an entry for this variant (Variation ID: 858793). Algorithms developed to predict the effect of missense changes on protein structure and function are either unavailable or do not agree on the potential impact of this missense change (SIFT: "Not Available"; PolyPhen-2: "Benign"; Align-GVGD: "Not Available"). In summary, the available evidence is currently insufficient to determine the role of this variant in disease. Therefore, it has been classified as a Variant of Uncertain Significance.